The following is an entry in ClinVar:

ClinVar aggregate classification (germline): Uncertain significance (1 of 4 stars; one submission).

Submission:

Labcorp Genetics (formerly Invitae), Labcorp
Classification: Uncertain significance. Last evaluated: 2022-03-15. Review status: criteria provided, single submitter. Criteria: Invitae Variant Classification Sherloc (09022015). Collection method: clinical testing. Allele origin: germline.
Comment: In summary, the available evidence is currently insufficient to determine the role of this variant in disease. Therefore, it has been classified as a Variant of Uncertain Significance. Algorithms developed to predict the effect of missense changes on protein structure and function are either unavailable or do not agree on the potential impact of this missense change (SIFT: "Not Available"; PolyPhen-2: "Probably Damaging"; Align-GVGD: "Not Available"). This variant has not been reported in the literature in individuals affected with CEP250-related conditions. This variant is not present in population databases (gnomAD no frequency). This sequence change replaces glutamic acid, which is acidic and polar, with glycine, which is neutral and non-polar, at codon 1398 of the CEP250 protein (p.Glu1398Gly).

NM_007186.6(CEP250):c.4193A>G (p.Glu1398Gly)

Gene: CEP250 (centrosomal protein 250; plus strand). Cytogenetic location: 20q11.22.
Variant type: single nucleotide variant.
Coding change: c.4193A>G on transcript NM_007186.6 (MANE Select); coding-DNA position 4193, A replaced by G.
Protein change: p.Glu1398Gly; replaces glutamic acid 1398 with glycine.
Molecular consequence: missense variant.
Genome position (GRCh38, 1-based): chr20:35,502,562, A>G. VCF-style: chr20-35502562-A-G. GRCh37 (hg19) VCF-style: chr20-34090390-A-G.
Other names: c.2297A>G, p.Glu766Gly (NM_001318219.1); short protein forms E1398G, E766G.
Identifiers: ClinVar variation 1953494 (VCV001953494.5), dbSNP rs2516224610, ClinGen allele CA408747622.